The following is an entry in ClinVar:

ClinVar aggregate classification (germline): Likely pathogenic (1 of 4 stars; one submission).

Conditions:
Primary familial dilated cardiomyopathy (FDC). Also called: Hypokinetic dilated cardiomyopathy, familial; Familial dilated cardiomyopathy. Identifiers: Orphanet 217607, MedGen C0340427, MONDO:0016333.

Submission:

Women's Health and Genetics/Laboratory Corporation of America, LabCorp
Classification: Likely pathogenic for Primary familial dilated cardiomyopathy. Last evaluated: 2026-02-26. Review status: criteria provided, single submitter. Criteria: LabCorp Variant Classification Summary - May 2015. Collection method: clinical testing. Allele origin: germline.
Comment: Variant summary: TTN NM_133378:c.82716dupA (p.Val27573SerfsX12) (also known as NM_001267550:c.90420dupA (p.Val30141SerfsX12)) results in a premature termination codon, predicted to cause a truncation of the encoded protein or absence of the protein due to nonsense mediated decay, which are commonly known mechanisms for disease. Loss of function variants in all TTN bands are strongly associated with a spectrum of autosomal recessive titinopathies when exon expression (proportion spliced in, PSI, 1=complete expression) in skeletal muscle is >0.1 (PMID: 36977548, 39198997, 29598826, 32778822, 29691892, 33449170, 36977548, internal data). In contrast, loss of function variants in all TTN bands are only strongly associated with autosomal dominant TTN-related cardiomyopathies if located in exons constitutively expressed (PSI >0.9) in cardiac muscle, excluding extreme C-terminal exons 359-363 (PMID: 25589632, 31216868, 32964742, 34662387, 27869827, Shetty et al., Nat Cardiovasc Res 2024,, internal data). This variant has a maximum skeletal muscle PSI of 0.936 and a maximum cardiac muscle PSI of 1. The variant was absent in 248016 control chromosomes (gnomAD). To our knowledge, no occurrence of c.82716dupA in individuals affected with TTN-related conditions and no experimental evidence demonstrating its impact on protein function have been reported. No submitters have cited clinical-significance assessments for this variant to ClinVar. Based on the evidence outlined above, the variant was classified as likely pathogenic for both autosomal dominant and autosomal recessive TTN-related conditions.

NM_001267550.2(TTN):c.90420dup (p.Val30141fs)

Genes: TTN (titin; minus strand), TTN-AS1 (TTN antisense RNA 1; plus strand). Cytogenetic location: 2q31.2.
Variant type: Duplication.
Coding change: c.90420dup on transcript NM_001267550.2 (MANE Select); coding-DNA position 90420, one base duplicated (A; older notation c.90420dupA).
Protein change: p.Val30141fs; shifts the reading frame from valine 30141.
Molecular consequence: frameshift variant.
Genome position (GRCh38, 1-based): chr2:178,552,480, T duplicated on the plus strand (A on the coding strand, the reverse complement: TTN is on the minus strand); the first of 2 consecutive T bases (chr2:178,552,480-178,552,481); duplicating either gives the same sequence. VCF-style (leftmost placement, unchanged base first): chr2-178552479-C-CT. GRCh37 (hg19) VCF-style: chr2-179417206-C-CT.
Other names: c.85497dup, p.Val28500fs (NM_001256850.1); c.63225dup, p.Val21076fs (NM_003319.4); c.82716dup, p.Val27573fs (NM_133378.4); c.63600dup, p.Val21201fs (NM_133432.3); c.63801dup, p.Val21268fs (NM_133437.4); c.82716dupA (NM_133378.4); short protein forms V21076fs, V21201fs, V21268fs, V27573fs, V28500fs, V30141fs.
Identifiers: ClinVar variation 4689726 (VCV004689726.2).